The following is an entry in ClinVar:

ClinVar aggregate classification (germline): Uncertain significance (1 of 4 stars; one submission).

Submission:

CeGaT Center for Human Genetics Tuebingen
Classification: Uncertain significance. Last evaluated: 2024-10-01. Review status: criteria provided, single submitter. Criteria: CeGaT Center For Human Genetics Tuebingen Variant Classification Criteria Version 2. Collection method: clinical testing. Allele origin: germline. Affected: yes. Observed: 1 variant allele.
Comment: MARCHF6: PM2

NM_005885.4(MARCHF6):c.324delinsAA (p.Leu109fs)

Gene: MARCHF6 (membrane associated ring-CH-type finger 6; plus strand). Cytogenetic location: 5p15.2.
Variant type: Indel.
Coding change: c.324delinsAA on transcript NM_005885.4 (MANE Select); coding-DNA position 324, T replaced by AA.
Protein change: p.Leu109fs; shifts the reading frame from leucine 109.
Molecular consequence: frameshift variant. On other transcripts: intron variant (2).
Genome position (GRCh38, 1-based): chr5:10,381,933, T replaced by AA. VCF-style: chr5-10381933-T-AA. GRCh37 (hg19) VCF-style: chr5-10382045-T-AA.
Other names: c.190+3101delinsAA (NM_001270660.2); c.20-5061delinsAA (NM_001270661.2); short protein forms L109fs.
Identifiers: ClinVar variation 3390292 (VCV003390292.14).